The following is an entry in ClinVar:

NM_004958.4(MTOR):c.5086G>T (p.Val1696Leu)

Gene: MTOR (mechanistic target of rapamycin kinase; minus strand). Cytogenetic location: 1p36.22.
Variant type: single nucleotide variant.
Coding change: c.5086G>T on transcript NM_004958.4 (MANE Select); coding-DNA position 5086, G replaced by T.
Protein change: p.Val1696Leu; replaces valine 1696 with leucine.
Molecular consequence: missense variant.
Genome position (GRCh38, 1-based): chr1:11,139,348, C>A on the plus strand (G>T on the coding strand, the complement: MTOR is on the minus strand). VCF-style: chr1-11139348-C-A. GRCh37 (hg19) VCF-style: chr1-11199405-C-A.
Other names: c.5086G>T, p.Val1696Leu (NM_001386500.1); c.3838G>T, p.Val1280Leu (NM_001386501.1); short protein forms V1280L, V1696L.
Identifiers: ClinVar variation 3633484 (VCV003633484.2).
Genomic context (GRCh38, chr1:11,139,348, plus strand): 5'-GCATTGGGATACAGACCTTGCGGGCACTCTTCCACATGTTTTTCATGTAGGCATAGGTCA[C>A]CTGAGGGTGAACTGTTGGCAGAGGATGGTCAAGTTGCCGAGACGGATCAACTCCCAGGAG-3'
Protein context (NP_004949.1, residues 1686-1706): DHPLPTVHPQ[Val1696Leu]TYAYMKNMWK

ClinVar aggregate classification (germline): Uncertain significance (1 of 4 stars; one submission).

Submission:

Labcorp Genetics (formerly Invitae), Labcorp
Classification: Uncertain significance. Last evaluated: 2024-11-22. Review status: criteria provided, single submitter. Criteria: Invitae Variant Classification Sherloc (09022015). Collection method: clinical testing. Allele origin: germline.
Comment: This sequence change replaces valine, which is neutral and non-polar, with leucine, which is neutral and non-polar, at codon 1696 of the MTOR protein (p.Val1696Leu). This variant is not present in population databases (gnomAD no frequency). This variant has not been reported in the literature in individuals affected with MTOR-related conditions. Invitae Evidence Modeling of protein sequence and biophysical properties (such as structural, functional, and spatial information, amino acid conservation, physicochemical variation, residue mobility, and thermodynamic stability) indicates that this missense variant is not expected to disrupt MTOR protein function with a negative predictive value of 95%. In summary, the available evidence is currently insufficient to determine the role of this variant in disease. Therefore, it has been classified as a Variant of Uncertain Significance.